The following is an entry in ClinVar:

ClinVar aggregate classification (germline): Benign (1 of 4 stars; one submission).

Conditions:
Polycystic liver disease 2 (PCLD2). Also called: Polycystic liver disease 2 with or without kidney cysts. Identifiers: Orphanet 2924, MedGen C4310769, MONDO:0014860, OMIM 617004.

Allele frequency attached by ClinVar (database versions not stated): gnomAD 0.77629 and 0.78273; 1000 Genomes Project 30x 0.75500; 1000 Genomes Project 0.75579; TOPMed 0.77242.

Submission:

Illumina Laboratory Services, Illumina
Classification: Benign for Polycystic liver disease 2. Last evaluated: 2018-01-12. Review status: criteria provided, single submitter. Criteria: ICSL Variant Classification Criteria 13 December 2019. Collection method: clinical testing. Allele origin: germline.
Comment: This variant was observed in the ICSL laboratory as part of a predisposition screen in an ostensibly healthy population. It had not been previously curated by ICSL or reported in the Human Gene Mutation Database (HGMD: prior to June 1st, 2018), and was therefore a candidate for classification through an automated scoring system. Utilizing variant allele frequency, disease prevalence and penetrance estimates, and inheritance mode, an automated score was calculated to assess if this variant is too frequent to cause the disease. Based on the score and internal cut-off values, a variant classified as benign is not then subjected to further curation. The score for this variant resulted in a classification of benign for this disease.

NM_007214.5(SEC63):c.*1901A>G

Gene: SEC63 (SEC63 homolog, protein translocation regulator; minus strand). Cytogenetic location: 6q21.
Variant type: single nucleotide variant.
Coding change: c.*1901A>G on transcript NM_007214.5 (MANE Select); 1901 bases downstream of the stop codon, A replaced by G.
Molecular consequence: 3 prime UTR variant.
Genome position (GRCh38, 1-based): chr6:107,869,803, T>C on the plus strand (A>G on the coding strand, the complement: SEC63 is on the minus strand). VCF-style: chr6-107869803-T-C. GRCh37 (hg19) VCF-style: chr6-108191007-T-C.
Identifiers: ClinVar variation 354861 (VCV000354861.5), dbSNP rs10872020, ClinGen allele CA10625515.